The following is an entry in ClinVar:

NM_001009944.3(PKD1):c.5611G>A (p.Ala1871Thr)

Gene: PKD1 (polycystin 1, transient receptor potential channel interacting; minus strand). Cytogenetic location: 16p13.3.
Variant type: single nucleotide variant.
Coding change: c.5611G>A on transcript NM_001009944.3 (MANE Select); coding-DNA position 5611, G replaced by A.
Protein change: p.Ala1871Thr; replaces alanine 1871 with threonine.
Molecular consequence: missense variant.
Genome position (GRCh38, 1-based): chr16:2,109,556, C>T on the plus strand (G>A on the coding strand, the complement: PKD1 is on the minus strand). VCF-style: chr16-2109556-C-T. GRCh37 (hg19) VCF-style: chr16-2159557-C-T.
Other names: c.5611G>A, p.Ala1871Thr (NM_000296.4); short protein forms A1871T.
Identifiers: ClinVar variation 256979 (VCV000256979.51), dbSNP rs144137200, ClinGen allele CA7831920.
Genomic context (GRCh38, chr16:2,109,556, plus strand): 5'-CCAGGCCCACGATGGGCTCCTCCGCCGTGAGGTTGTACGTGGCTGAGACCCAGCTGACTG[C>T]GTTGGAGGCATTGAGCCGGATGGAGAAGGTGCCAGCATCCGGGAAGACCATGGTGACATG-3'
Protein context (NP_001009944.3, residues 1861-1881): TFSIRLNASN[Ala1871Thr]VSWVSATYNL

ClinVar aggregate classification (germline): Benign/Likely benign. Review status: criteria provided, multiple submitters, no conflicts (2 of 4 stars). 13 submissions from 13 submitters: Benign (5); Likely benign (4). 4 of the submissions do not count toward it. Last evaluated 2026-09-01.

Conditions:
PKD1-related disorder. Also called: PKD1-related condition.
Polycystic kidney disease, adult type (PKD1). Also called: POLYCYSTIC KIDNEY DISEASE, ADULT, TYPE I; Polycystic Kidney, Autosomal Dominant; Polycystic Kidney Disease 1, Autosomal Dominant; Polycystic kidney disease 1; Polycystic kidney disease 1, severe; POLYCYSTIC KIDNEY DISEASE 1 WITH OR WITHOUT POLYCYSTIC LIVER DISEASE. Identifiers: MedGen C3149841, MONDO:0008263, OMIM 173900.
Polycystic kidney disease. Also called: Kidney, Polycystic; Polycystic kidney dysplasia. Identifiers: MedGen C0022680, MeSH D007690, MONDO:0020642, HP:0000113.

Allele frequency attached by ClinVar (database versions not stated): 1000 Genomes Project 30x 0.00156; 1000 Genomes Project 0.00160; gnomAD 0.00389; ESP Exome Variant Server 0.00425; gnomAD exomes 0.00425 and 0.00676; ExAC 0.00463; TOPMed 0.00479.
gnomAD v4.1: 10,450 of 1,611,596 alleles (0.65%); highest among the groups gnomAD compares: Non-Finnish European, 0.78%; 55 homozygotes.

Submissions (13):

CeGaT Center for Human Genetics Tuebingen
Classification: Benign. Last evaluated: 2026-09-01. Review status: criteria provided, single submitter. Criteria: CeGaT Center For Human Genetics Tuebingen Variant Classification Criteria Version 2. Collection method: clinical testing. Allele origin: germline. Affected: yes. Observed: 17 variant alleles.
Comment: PKD1: BP4, BS1, BS2

Women's Health and Genetics/Laboratory Corporation of America, LabCorp
Classification: Likely benign. Last evaluated: 2025-06-18. Review status: criteria provided, single submitter. Criteria: LabCorp Variant Classification Summary - May 2015. Collection method: clinical testing. Allele origin: germline.
Comment: Variant summary: PKD1 c.5611G>A (p.Ala1871Thr) results in a non-conservative amino acid change in the encoded protein sequence. Algorithms developed to predict the effect of missense changes on protein structure and function are either unavailable or do not agree on the potential impact of this missense change. The variant allele was found at a frequency of 0.0042 in 245780 control chromosomes, predominantly at a frequency of 0.0066 within the Non-Finnish European subpopulation in the gnomAD database, including 4 homozygotes. The observed variant frequency within Non-Finnish European control individuals in the gnomAD database exceeds the estimated maximal expected allele frequency for a pathogenic variant in PKD1 causing PKD1-Biallelic Autosomal Recessive Polycystic Kidney Disease phenotype. To our knowledge, no occurrence of c.5611G>A in individuals affected with PKD1-Biallelic Autosomal Recessive Polycystic Kidney Disease and no experimental evidence demonstrating its impact on protein function have been reported. ClinVar contains an entry for this variant (Variation ID: 256979). Based on the evidence outlined above, the variant was classified as likely benign.

Blueprint Genetics
Classification: Benign. Last evaluated: 2024-11-27. Review status: criteria provided, single submitter. Criteria: ACMG Guidelines, 2015. Collection method: clinical testing. Allele origin: germline.

Mayo Clinic Laboratories, Mayo Clinic
Classification: Benign. Last evaluated: 2023-12-04. Review status: criteria provided, single submitter. Criteria: ACMG Guidelines, 2015. Collection method: clinical testing. Allele origin: germline. Observed: 12 variant alleles.
Comment: BS1, BS2

Fulgent Genetics
Classification: Likely benign for Polycystic kidney disease, adult type. Last evaluated: 2022-04-01. Review status: criteria provided, single submitter. Criteria: ACMG Guidelines, 2015. Collection method: clinical testing. Allele origin: unknown.

GeneDx
Classification: Likely benign. Last evaluated: 2021-02-08. Review status: criteria provided, single submitter. Criteria: GeneDx Variant Classification Process June 2021. Collection method: clinical testing. Allele origin: germline. Affected: yes.
Comment: This variant is associated with the following publications: (PMID: 17582161, 22608885, 30647506)

ARUP Laboratories, Molecular Genetics and Genomics, ARUP Laboratories
Classification: Benign for Polycystic kidney disease, adult type. Last evaluated: 2019-09-25. Review status: criteria provided, single submitter. Criteria: ARUP Molecular Germline Variant Investigation Process. Collection method: clinical testing. Allele origin: germline.

Athena Diagnostics
Classification: Benign. Last evaluated: 2019-02-25. Review status: criteria provided, single submitter. Criteria: Athena Diagnostics Criteria. Collection method: clinical testing. Allele origin: germline.

Breakthrough Genomics
Classification: Likely benign. Review status: criteria provided, single submitter. Criteria: ACMG Guidelines, 2015. Collection method: not provided. Allele origin: germline. Inheritance: Autosomal dominant inheritance. Affected: yes.

PreventionGenetics, part of Exact Sciences
Classification: Benign for PKD1-related condition. Last evaluated: 2019-06-22. Review status: no assertion criteria provided. Collection method: clinical testing. Allele origin: germline. Not counted in ClinVar's aggregate classification.
Comment: This variant is classified as benign based on ACMG/AMP sequence variant interpretation guidelines (Richards et al. 2015 PMID: 25741868, with internal and published modifications).

Department of Pathology and Laboratory Medicine, Sinai Health System
Classification: Likely benign for Polycystic Kidney disease. Review status: no assertion criteria provided. Collection method: clinical testing. Allele origin: unknown. Affected: yes. Study: The Canadian Open Genetics Repository (COGR). Not counted in ClinVar's aggregate classification.
Comment: The PKD1 p.Ala1871Thr variant was identified in 2 of 460 proband chromosomes (frequency: 0.004) from individuals or families with ADPKD, being classified as a polymorphism/likely neutral (Rossetti 2007, Rossetti 2012, Tan 2009, Tan 2014). The variant was identified in dbSNP (ID: rs144137200) as â€šÃ„ÃºWith Likely benign alleleâ€šÃ„Ã¹, Clinvitae and ClinVar (classification likely benign, submitter Prevention Genetics), and the ADPKD Mutation Database (classification likely neutral); but was not identified in GeneInsight-COGR, MutDB, PKD1-LOVD, and PKD1-LOVD 3.0. This variant was also identified in the 1000 Genomes Project in 8 of 5000 chromosomes (frequency: 0.002), HAPMAP-EUR in 3 of 1006 chromosomes (frequency: 0.003)/-AMR in 3 of 694 chromosomes (frequency: 0.0043)/-SAS in 2 of 978 chromosomes (frequency: 0.002), the NHLBI GO Exome Sequencing Project in 49 of 8560 European American alleles (freq. 0.006) and in 6 of 4374 African American alleles (freq. 0.001), the genome Aggregation Database (beta, October 19th 2016) in 1142 (4 homozygous) of 272522 chromosomes (freq. 0.004) and in the Exome Aggregation Consortium database (August 8th 2016) 485 (4 homozygous) of 104730 chromosomes (freq. 0.0046) in the following populations: European (Non-Finnish) in 364 of 57774 chromosomes (freq. 006), South Asian in 84 of 15042 chromosomes (freq. 006), Other in 4 of 732 chromosomes (freq. 006), Latino in 20 of 10302 chromosomes (freq. 002), African in 10 of 8320 chromosomes (freq. 001), and in European (Finnish) in 3 of 4634 chromosomes (freq. 0006); but was not seen in East Asian; increasing the likelihood this could be a low frequency benign variant. In addition we cannot be certain that data from control databases is specific to PKD1 and not from one of the six PKD1 pseudogenes. The p.Ala1871 residue is not conserved in mammals and 4 out of 5 computational analyses (PolyPhen-2, SIFT, AlignGVGD, BLOSUM, MutationTaster) do not suggest a high likelihood of impact to the protein; however, this information is not predictive enough to rule out pathogenicity. The variant occurs outside of the splicing consensus sequence and in silico or computational prediction software programs (SpliceSiteFinder, MaxEntScan, NNSPLICE, GeneSplicer, HumanSpliceFinder) do not predict a difference in splicing. In summary, based on the above information, the clinical significance of this variant cannot be determined with certainty at this time although we would lean towards a more benign role for this variant. This variant is classified as likely benign.

Genome Diagnostics Laboratory, University Medical Center Utrecht
Classification: Benign. Review status: no assertion criteria provided. Collection method: clinical testing. Allele origin: germline. Affected: yes. Study: VKGL Data-share Consensus. Not counted in ClinVar's aggregate classification.

Laboratory of Diagnostic Genome Analysis, Leiden University Medical Center (LUMC)
Classification: Likely benign. Review status: no assertion criteria provided. Collection method: clinical testing. Allele origin: germline. Affected: yes. Study: VKGL Data-share Consensus. Not counted in ClinVar's aggregate classification.

Literature cited by the submitters: PubMed 30647506 (cited by Mayo Clinic Laboratories, Mayo Clinic and Athena Diagnostics); PubMed 24374109 (cited by Athena Diagnostics); PubMed 22608885 (cited by Athena Diagnostics); PubMed 17582161 (cited by Athena Diagnostics); PubMed 18837007 (cited by Athena Diagnostics).